The following is an entry in ClinVar:

ClinVar aggregate classification (germline): Uncertain significance (1 of 4 stars; one submission).

gnomAD v4.1: 1 of 1,613,724 alleles (0.000062%); highest among the groups gnomAD compares: Non-Finnish European, 0.000085%; no homozygotes.

Submission:

Labcorp Genetics (formerly Invitae), Labcorp
Classification: Uncertain significance. Last evaluated: 2024-02-02. Review status: criteria provided, single submitter. Criteria: Invitae Variant Classification Sherloc (09022015). Collection method: clinical testing. Allele origin: germline.
Comment: This sequence change replaces glycine, which is neutral and non-polar, with glutamic acid, which is acidic and polar, at codon 34 of the CACNA1E protein (p.Gly34Glu). This variant is not present in population databases (gnomAD no frequency). This variant has not been reported in the literature in individuals affected with CACNA1E-related conditions. Advanced modeling of protein sequence and biophysical properties (such as structural, functional, and spatial information, amino acid conservation, physicochemical variation, residue mobility, and thermodynamic stability) performed at Invitae indicates that this missense variant is expected to disrupt CACNA1E protein function with a positive predictive value of 80%. In summary, the available evidence is currently insufficient to determine the role of this variant in disease. Therefore, it has been classified as a Variant of Uncertain Significance.

NM_001205293.3(CACNA1E):c.101G>A (p.Gly34Glu)

Gene: CACNA1E (calcium voltage-gated channel subunit alpha1 E; plus strand). Cytogenetic location: 1q25.3.
Variant type: single nucleotide variant.
Coding change: c.101G>A on transcript NM_001205293.3 (MANE Select); coding-DNA position 101, G replaced by A.
Protein change: p.Gly34Glu; replaces glycine 34 with glutamic acid.
Molecular consequence: missense variant.
Genome position (GRCh38, 1-based): chr1:181,483,845, G>A. VCF-style: chr1-181483845-G-A. GRCh37 (hg19) VCF-style: chr1-181452981-G-A.
Other names: c.101G>A, p.Gly34Glu (NM_000721.4, NM_001205294.2); short protein forms G34E.
Identifiers: ClinVar variation 3669234 (VCV003669234.2).
Genomic context (GRCh38, chr1:181,483,845, plus strand): 5'-CCGGCGATGGAGACTCGGACCAGAGCAGGAACCGGCAAGGAACCCCCGTGCCGGCCTCGG[G>A]GCAGGCGGCCGCCTACAAGCAGACGAAAGCACAGAGGGCGCGGACTATGGCTTTGTACAA-3'
Protein context (NP_001192222.1, residues 24-44): NRQGTPVPAS[Gly34Glu]QAAAYKQTKA